The following is an entry in ClinVar:

NM_000038.6(APC):c.1571_1574dup (p.Cys525fs)

Gene: APC (APC regulator of Wnt signaling pathway; plus strand). Cytogenetic location: 5q22.2.
Variant type: Duplication.
Coding change: c.1571_1574dup on transcript NM_000038.6 (MANE Select); coding-DNA positions 1571 to 1574, 4 bases duplicated (GCTG; older notation c.1571_1574dupGCTG).
Protein change: p.Cys525fs; shifts the reading frame from cysteine 525.
Molecular consequence: frameshift variant.
Genome position (GRCh38, 1-based): chr5:112,827,951-112,827,954, GCTG duplicated; duplicating any 4 consecutive bases within chr5:112,827,950-112,827,954 gives the same sequence; the c. name uses the placement nearest the transcript's 3' end. VCF-style (leftmost placement, unchanged base first): chr5-112827949-A-AGGCT. GRCh37 (hg19) VCF-style: chr5-112163646-A-AGGCT.
Other names: c.1571_1574dup, p.Cys525fs (NM_001127510.3, NM_001354895.2); c.1517_1520dup, p.Cys507fs (NM_001127511.3); c.1625_1628dup, p.Cys543fs (NM_001354896.2); c.1601_1604dup, p.Cys535fs (NM_001354897.2); c.1496_1499dup, p.Cys500fs (NM_001354898.2); c.1487_1490dup, p.Cys497fs (NM_001354899.2); c.1448_1451dup, p.Cys484fs (NM_001354900.2); c.1394_1397dup, p.Cys466fs (NM_001354901.2); and 5 more; short protein forms C242fs, C484fs, C399fs, C466fs, C507fs, C365fs, C434fs, C497fs.
Identifiers: ClinVar variation 1355883 (VCV001355883.7), dbSNP rs2149813390, ClinGen allele CA2573138847.

ClinVar aggregate classification (germline): Pathogenic. Review status: criteria provided, multiple submitters, no conflicts (2 of 4 stars). 2 submissions from 2 submitters: Pathogenic (2). Last evaluated 2023-05-02.

Conditions:
Familial adenomatous polyposis 1 (FAP1). Also called: FAMILIAL ADENOMATOUS POLYPOSIS 1, ATTENUATED; POLYPOSIS, ADENOMATOUS INTESTINAL. Identifiers: MedGen C2713442, MONDO:0021056, OMIM 175100. Disease mechanism: loss of function.

Submissions (2):

Myriad Genetics, Inc.
Classification: Pathogenic for Familial adenomatous polyposis 1. Last evaluated: 2023-05-02. Review status: criteria provided, single submitter. Criteria: Myriad Autosomal Dominant, Autosomal Recessive and X-Linked Classification Criteria (2023). Collection method: clinical testing. Allele origin: unknown.
Comment: This variant is considered pathogenic. This variant creates a frameshift predicted to result in premature protein truncation.

Labcorp Genetics (formerly Invitae), Labcorp
Classification: Pathogenic for Familial adenomatous polyposis 1. Last evaluated: 2021-01-10. Review status: criteria provided, single submitter. Criteria: Invitae Variant Classification Sherloc (09022015). Collection method: clinical testing. Allele origin: germline.
Comment: For these reasons, this variant has been classified as Pathogenic. This variant has not been reported in the literature in individuals with APC-related conditions. This variant is not present in population databases (ExAC no frequency). This sequence change creates a premature translational stop signal (p.Cys525Trpfs*13) in the APC gene. It is expected to result in an absent or disrupted protein product. Loss-of-function variants in APC are known to be pathogenic (PMID: 17963004, 20685668).

Literature cited by the submitters: PubMed 17963004 (cited by Labcorp Genetics (formerly Invitae), Labcorp); PubMed 20685668 (cited by Labcorp Genetics (formerly Invitae), Labcorp).